The following is an entry in ClinVar:

NM_024422.6(DSC2):c.1079A>G (p.Tyr360Cys)

Gene: DSC2 (desmocollin 2; minus strand). Cytogenetic location: 18q12.1.
Variant type: single nucleotide variant.
Coding change: c.1079A>G on transcript NM_024422.6 (MANE Select); coding-DNA position 1079, A replaced by G.
Protein change: p.Tyr360Cys; replaces tyrosine 360 with cysteine.
Molecular consequence: missense variant.
Genome position (GRCh38, 1-based): chr18:31,082,422, T>C on the plus strand (A>G on the coding strand, the complement: DSC2 is on the minus strand). VCF-style: chr18-31082422-T-C. GRCh37 (hg19) VCF-style: chr18-28662388-T-C.
Other names: c.650A>G, p.Tyr217Cys (NM_001406506.1, NM_001406507.1); c.1079A>G, p.Tyr360Cys (NM_004949.5); c.1079A>G (NM_024422.3); short protein forms Y217C, Y360C.
Identifiers: ClinVar variation 3386535 (VCV003386535.3).

ClinVar aggregate classification (germline): Uncertain significance. Review status: criteria provided, multiple submitters, no conflicts (2 of 4 stars). 3 submissions from 3 submitters: Uncertain significance (3). Last evaluated 2025-11-25.

Conditions:
Familial isolated arrhythmogenic right ventricular dysplasia. Identifiers: Orphanet 217656, MedGen C4274968, MONDO:0016342.
Arrhythmogenic right ventricular dysplasia 11. Also called: ARRHYTHMOGENIC RIGHT VENTRICULAR DYSPLASIA, FAMILIAL, 11; Arrhythmogenic Right Ventricular Dysplasia/Cardiomyopathy11; Arrhythmogenic right ventricular dysplasia 11 with mild palmoplantar keratoderma and woolly hair. Identifiers: MedGen C1864850, MONDO:0012506, OMIM 610476.
Cardiovascular phenotype. Identifiers: MedGen CN230736.

gnomAD v4.1: 1 of 1,612,832 alleles (0.000062%); highest among the groups gnomAD compares: Non-Finnish European, 0.000085%; no homozygotes.

Submissions (3):

Ambry Genetics
Classification: Uncertain significance for Cardiovascular phenotype. Last evaluated: 2025-11-25. Review status: criteria provided, single submitter. Criteria: Ambry Variant Classification Scheme 2023. Collection method: clinical testing. Allele origin: germline.
Comment: The p.Y360C variant (also known as c.1079A>G), located in coding exon 9 of the DSC2 gene, results from an A to G substitution at nucleotide position 1079. The tyrosine at codon 360 is replaced by cysteine, an amino acid with highly dissimilar properties. This amino acid position is conserved. In addition, this alteration is predicted to be deleterious by in silico analysis. Based on the available evidence, the clinical significance of this variant remains unclear.

Labcorp Genetics (formerly Invitae), Labcorp
Classification: Uncertain significance for Arrhythmogenic right ventricular dysplasia 11. Last evaluated: 2025-10-13. Review status: criteria provided, single submitter. Criteria: Invitae Variant Classification Sherloc (09022015). Collection method: clinical testing. Allele origin: germline.
Comment: This sequence change replaces tyrosine, which is neutral and polar, with cysteine, which is neutral and slightly polar, at codon 360 of the DSC2 protein (p.Tyr360Cys). This variant is present in population databases (no rsID available, gnomAD no frequency). This variant has not been reported in the literature in individuals affected with DSC2-related conditions. ClinVar contains an entry for this variant (Variation ID: 3386535). An algorithm developed to predict the effect of missense changes on protein structure and function (PolyPhen-2) suggests that this variant is likely to be disruptive. In summary, the available evidence is currently insufficient to determine the role of this variant in disease. Therefore, it has been classified as a Variant of Uncertain Significance.

All of Us Research Program, National Institutes of Health
Classification: Uncertain significance for Familial isolated arrhythmogenic right ventricular dysplasia. Last evaluated: 2024-06-09. Review status: criteria provided, single submitter. Criteria: ACMG Guidelines, 2015. Collection method: clinical testing. Allele origin: germline. Inheritance: Autosomal dominant inheritance. Observed: 1 variant allele, 1 heterozygote.
Comment: This missense variant replaces tyrosine with cysteine at codon 360 of the DSC2 protein. Computational prediction suggests that this variant may not impact protein structure and function (internally defined REVEL score threshold <= 0.5, PMID: 27666373). To our knowledge, functional studies have not been reported for this variant. This variant has not been reported in individuals affected with DSC2-related disorders in the literature. This variant has been identified in 1/249836 chromosomes in the general population by the Genome Aggregation Database (gnomAD). The available evidence is insufficient to determine the role of this variant in disease conclusively. Therefore, this variant is classified as a Variant of Uncertain Significance.

This study involves interpretation of variants in research participants for the purpose of population health screening. Participant phenotype was not available at the time of variant classification. Additional details can be found in publication PMID: 35346344, PMCID: PMC8962531